The following is an entry in ClinVar:

NM_000059.4(BRCA2):c.3852T>A (p.Ser1284Arg)

Gene: BRCA2 (BRCA2 DNA repair associated; plus strand). Cytogenetic location: 13q13.1.
Variant type: single nucleotide variant.
Coding change: c.3852T>A on transcript NM_000059.4 (MANE Select); coding-DNA position 3852, T replaced by A.
Protein change: p.Ser1284Arg; replaces serine 1284 with arginine.
Molecular consequence: missense variant.
Genome position (GRCh38, 1-based): chr13:32,338,207, T>A. VCF-style: chr13-32338207-T-A. GRCh37 (hg19) VCF-style: chr13-32912344-T-A.
Other names: short protein forms S1284R.
Identifiers: ClinVar variation 232509 (VCV000232509.17), dbSNP rs777895333, ClinGen allele CA10579592.

ClinVar aggregate classification (germline): Conflicting classifications of pathogenicity. Review status: criteria provided, conflicting classifications (1 of 4 stars). 7 submissions from 7 submitters: Uncertain significance (5); Likely benign (2). Last evaluated 2025-12-17.

Conditions:
Familial cancer of breast. Also called: hereditary breast carcinoma; BREAST CANCER, FAMILIAL; Hereditary breast cancer. Identifiers: Orphanet 227535, MedGen C0346153, MONDO:0016419, OMIM 114480. Disease mechanism: loss of function.
Breast-ovarian cancer, familial, susceptibility to, 2 (BROVCA2). Also called: BRCA2 Hereditary Breast and Ovarian Cancer. Identifiers: Orphanet 145, MedGen C2675520, MONDO:0012933, OMIM 612555. Disease mechanism: loss of function.
Wilms tumor 1 (WT1). Also called: Wilms tumor, somatic. Identifiers: Orphanet 654, MedGen CN033288, MONDO:0008679, OMIM 194070.
Pancreatic cancer, susceptibility to, 2. Identifiers: Orphanet 1333, MedGen C3150546, MONDO:0013235, OMIM 613347.
Glioma susceptibility 3 (GLM3). Also called: Glioblastoma 3. Identifiers: Orphanet 182067, Orphanet 360, MedGen C2751641, MONDO:0013093, OMIM 613029.
Familial prostate cancer. Also called: Hereditary Prostate Cancer. Identifiers: MedGen C2931456, MONDO:0700275, OMIM 176807.
Fanconi anemia complementation group D1. Also called: BRCA2-Related Fanconi Anemia. Identifiers: Orphanet 319462, MedGen C1838457, MONDO:0011584, OMIM 605724.
Medulloblastoma (MDB). Also called: Medulloblastoma, somatic; MEDULLOBLASTOMA PREDISPOSITION SYNDROME. Identifiers: Orphanet 616, MedGen C0025149, MeSH D008527, MONDO:0007959, OMIM 155255, HP:0002885.
Hereditary cancer-predisposing syndrome. Also called: Neoplastic Syndromes, Hereditary; Tumor predisposition; Hereditary neoplastic syndrome; Hereditary Cancer Syndrome. Identifiers: Orphanet 140162, MedGen C0027672, MeSH D009386, MONDO:0015356.
Hereditary breast ovarian cancer syndrome. Also called: Hereditary breast and ovarian cancer syndrome; Hereditary breast and ovarian cancer syndrome (HBOC); Breast and ovarian cancer; BRCA1- and BRCA2-Associated Hereditary Breast and Ovarian Cancer; Hereditary breast and/or ovarian cancer syndrome; Hereditary breast and ovarian cancer. Identifiers: Orphanet 145, MedGen C0677776, MeSH D061325, MONDO:0003582. Disease mechanism: loss of function.

gnomAD v4.1: 3 of 1,546,200 alleles (0.00019%); highest among the groups gnomAD compares: African/African-American, 0.0042%; no homozygotes.

Submissions (7):

Labcorp Genetics (formerly Invitae), Labcorp
Classification: Uncertain significance for Hereditary breast ovarian cancer syndrome. Last evaluated: 2025-12-17. Review status: criteria provided, single submitter. Criteria: Invitae Variant Classification Sherloc (09022015). Collection method: clinical testing. Allele origin: germline.
Comment: This sequence change replaces serine, which is neutral and polar, with arginine, which is basic and polar, at codon 1284 of the BRCA2 protein (p.Ser1284Arg). This variant is not present in population databases (gnomAD no frequency). This variant has not been reported in the literature in individuals affected with BRCA2-related conditions. ClinVar contains an entry for this variant (Variation ID: 232509). Invitae Evidence Modeling of protein sequence and biophysical properties (such as structural, functional, and spatial information, amino acid conservation, physicochemical variation, residue mobility, and thermodynamic stability) indicates that this missense variant is not expected to disrupt BRCA2 protein function with a negative predictive value of 95%. In summary, the available evidence is currently insufficient to determine the role of this variant in disease. Therefore, it has been classified as a Variant of Uncertain Significance.

Ambry Genetics
Classification: Likely benign for Hereditary cancer-predisposing syndrome. Last evaluated: 2024-07-10. Review status: criteria provided, single submitter. Criteria: Ambry Variant Classification Scheme 2023. Collection method: clinical testing. Allele origin: germline.

Fulgent Genetics
Classification: Uncertain significance for Familial cancer of breast; Medulloblastoma; Familial prostate cancer; Wilms tumor 1; Fanconi anemia complementation group D1; Breast-ovarian cancer, familial, susceptibility to, 2; Glioma susceptibility 3; Pancreatic cancer, susceptibility to, 2. Last evaluated: 2024-05-30. Review status: criteria provided, single submitter. Criteria: ACMG Guidelines, 2015. Collection method: clinical testing. Allele origin: germline.

University of Washington Department of Laboratory Medicine, University of Washington
Classification: Likely benign for Hereditary cancer-predisposing syndrome. Last evaluated: 2023-03-23. Review status: criteria provided, single submitter. Criteria: Dines et al. (Genet Med. 2020). Collection method: curation. Allele origin: germline.
Comment: Missense variant in a coldspot region where missense variants are very unlikely to be pathogenic (PMID:31911673).

BRCA2 exon 11 coldspot. Reclassification based on statistical prior probability.

Blueprint Genetics
Classification: Uncertain significance. Last evaluated: 2021-11-04. Review status: criteria provided, single submitter. Criteria: ACMG Guidelines, 2015. Collection method: clinical testing. Allele origin: germline.

Women's Health and Genetics/Laboratory Corporation of America, LabCorp
Classification: Uncertain significance. Last evaluated: 2021-08-13. Review status: criteria provided, single submitter. Criteria: LabCorp Variant Classification Summary - May 2015. Collection method: clinical testing. Allele origin: germline.
Comment: Variant summary: BRCA2 c.3852T>A (p.Ser1284Arg) results in a non-conservative amino acid change in the encoded protein sequence. Four of five in-silico tools predict a benign effect of the variant on protein function. The variant was absent in 199436 control chromosomes. The available data on variant occurrences in the general population are insufficient to allow any conclusion about variant significance. To our knowledge, no occurrence of c.3852T>A in individuals affected with Hereditary Breast And Ovarian Cancer Syndrome and no experimental evidence demonstrating its impact on protein function have been reported. Two clinical diagnostic laboratories have submitted clinical-significance assessments for this variant to ClinVar after 2014 without evidence for independent evaluation. All laboratories classified the variant as uncertain significance. Based on the evidence outlined above, the variant was classified as uncertain significance.

Color Diagnostics, LLC DBA Color Health
Classification: Uncertain significance for Hereditary cancer-predisposing syndrome. Last evaluated: 2019-06-13. Review status: criteria provided, single submitter. Criteria: ACMG Guidelines, 2015. Collection method: clinical testing. Allele origin: germline.